The following is an entry in ClinVar:

NM_003361.4(UMOD):c.1340A>G (p.Asn447Ser)

Gene: UMOD (uromodulin; minus strand). Cytogenetic location: 16p12.3.
Variant type: single nucleotide variant.
Coding change: c.1340A>G on transcript NM_003361.4 (MANE Select); coding-DNA position 1340, A replaced by G.
Protein change: p.Asn447Ser; replaces asparagine 447 with serine.
Molecular consequence: missense variant. On other transcripts: non-coding transcript variant (1).
Genome position (GRCh38, 1-based): chr16:20,341,328, T>C on the plus strand (A>G on the coding strand, the complement: UMOD is on the minus strand). VCF-style: chr16-20341328-T-C. GRCh37 (hg19) VCF-style: chr16-20352650-T-C.
Other names: c.1481A>G, p.Asn494Ser (NM_001378234.1, NM_001378235.1); c.1340A>G, p.Asn447Ser (NM_001008389.3, NM_001378232.1, NM_001378233.1); c.1439A>G, p.Asn480Ser (NM_001278614.2); short protein forms N480S, N447S, N494S.
Identifiers: ClinVar variation 3683322 (VCV003683322.2).

ClinVar aggregate classification (germline): Uncertain significance (1 of 4 stars; one submission).

Submission:

Labcorp Genetics (formerly Invitae), Labcorp
Classification: Uncertain significance. Last evaluated: 2025-03-31. Review status: criteria provided, single submitter. Criteria: Invitae Variant Classification Sherloc (09022015). Collection method: clinical testing. Allele origin: germline.
Comment: This sequence change replaces asparagine, which is neutral and polar, with serine, which is neutral and polar, at codon 447 of the UMOD protein (p.Asn447Ser). This variant is not present in population databases (gnomAD no frequency). This variant has not been reported in the literature in individuals affected with UMOD-related conditions. Invitae Evidence Modeling of protein sequence and biophysical properties (such as structural, functional, and spatial information, amino acid conservation, physicochemical variation, residue mobility, and thermodynamic stability) indicates that this missense variant is not expected to disrupt UMOD protein function with a negative predictive value of 80%. In summary, the available evidence is currently insufficient to determine the role of this variant in disease. Therefore, it has been classified as a Variant of Uncertain Significance.